The following is an entry in ClinVar:

ClinVar aggregate classification (germline): Uncertain significance (1 of 4 stars; one submission).

Submission:

GeneDx
Classification: Uncertain significance. Last evaluated: 2024-06-29. Review status: criteria provided, single submitter. Criteria: GeneDx Variant Classification Process June 2021. Collection method: clinical testing. Allele origin: germline. Affected: yes.
Comment: Not observed at significant frequency in large population cohorts (gnomAD); In silico analysis indicates that this missense variant does not alter protein structure/function; Has not been previously published as pathogenic or benign to our knowledge

NM_015107.3(PHF8):c.1180G>A (p.Val394Ile)

Gene: PHF8 (PHD finger protein 8; minus strand). Cytogenetic location: Xp11.22.
Variant type: single nucleotide variant.
Coding change: c.1180G>A on transcript NM_015107.3 (MANE Select); coding-DNA position 1180, G replaced by A.
Protein change: p.Val394Ile; replaces valine 394 with isoleucine.
Molecular consequence: missense variant.
Genome position (GRCh38, 1-based): chrX:53,999,923, C>T on the plus strand (G>A on the coding strand, the complement: PHF8 is on the minus strand). VCF-style: chrX-53999923-C-T. GRCh37 (hg19) VCF-style: chrX-54026356-C-T.
Other names: c.1288G>A, p.Val430Ile (NM_001184896.1); c.1180G>A, p.Val394Ile (NM_001184897.2, NM_001184898.2); short protein forms V394I, V430I.
Identifiers: ClinVar variation 3572517 (VCV003572517.1).